The following is an entry in ClinVar:

NM_004082.5(DCTN1):c.2026C>T (p.Gln676Ter)

Gene: DCTN1 (dynactin subunit 1; minus strand). Cytogenetic location: 2p13.1.
Variant type: single nucleotide variant.
Coding change: c.2026C>T on transcript NM_004082.5 (MANE Select); coding-DNA position 2026, C replaced by T.
Protein change: p.Gln676Ter; replaces glutamine 676 with a stop codon.
Molecular consequence: nonsense. On other transcripts: non-coding transcript variant (1).
Genome position (GRCh38, 1-based): chr2:74,367,854, G>A on the plus strand (C>T on the coding strand, the complement: DCTN1 is on the minus strand). VCF-style: chr2-74367854-G-A. GRCh37 (hg19) VCF-style: chr2-74594981-G-A.
Other names: c.1966C>T, p.Gln656Ter (NM_001135040.3); c.1624C>T, p.Gln542Ter (NM_001135041.3, NM_023019.4); c.1915C>T, p.Gln639Ter (NM_001190836.2); c.2005C>T, p.Gln669Ter (NM_001190837.2); c.1975C>T, p.Gln659Ter (NM_001378991.1); c.1957C>T, p.Gln653Ter (NM_001378992.1); short protein forms Q542*, Q639*, Q659*, Q676*, Q656*, Q669*, Q653*.
Identifiers: ClinVar variation 2107023 (VCV002107023.4), dbSNP rs2529128490, ClinGen allele CA347351462.

ClinVar aggregate classification (germline): Uncertain significance (1 of 4 stars; one submission).

Conditions:
Amyotrophic lateral sclerosis type 1 (ALS1). Also called: AMYOTROPHIC LATERAL SCLEROSIS 1, FAMILIAL. Identifiers: Orphanet 803, MedGen C1862939, MONDO:0007103, OMIM 105400.
Perry syndrome. Also called: PARKINSONISM WITH ALVEOLAR HYPOVENTILATION AND MENTAL DEPRESSION. Identifiers: Orphanet 178509, MedGen C1868594, MONDO:0008201, OMIM 168605.
Neuronopathy, distal hereditary motor, type 7B. Also called: HMN VIIB; NEURONOPATHY, DISTAL HEREDITARY MOTOR, AUTOSOMAL DOMINANT 14; NEURONOPATHY, DISTAL HEREDITARY MOTOR, HARDING TYPE VIIB; NEUROPATHY, DISTAL HEREDITARY MOTOR, HARDING TYPE VIIB; NEUROPATHY, DISTAL HEREDITARY MOTOR, WITH VOCAL CORD PARALYSIS, HARDING TYPE VIIB; LOWER MOTOR NEURON DISEASE, DYNACTIN TYPE. Identifiers: Orphanet 139589, MedGen C1843315, MONDO:0011879, OMIM 607641.

Submission:

Labcorp Genetics (formerly Invitae), Labcorp
Classification: Uncertain significance for Amyotrophic lateral sclerosis type 1; Neuronopathy, distal hereditary motor, type 7B; Perry syndrome. Last evaluated: 2022-03-05. Review status: criteria provided, single submitter. Criteria: Invitae Variant Classification Sherloc (09022015). Collection method: clinical testing. Allele origin: germline.
Comment: In summary, the available evidence is currently insufficient to determine the role of this variant in disease. Therefore, it has been classified as a Variant of Uncertain Significance. This variant has not been reported in the literature in individuals affected with DCTN1-related conditions. This variant is not present in population databases (gnomAD no frequency). This sequence change creates a premature translational stop signal (p.Gln676*) in the DCTN1 gene. It is expected to result in an absent or disrupted protein product. However, the current clinical and genetic evidence is not sufficient to establish whether loss-of-function variants in DCTN1 cause disease.